The following is an entry in ClinVar:

NM_000061.3(BTK):c.522C>T (p.Ser174=)

Gene: BTK (Bruton tyrosine kinase; minus strand). Cytogenetic location: Xq22.1.
Variant type: single nucleotide variant.
Coding change: c.522C>T on transcript NM_000061.3 (MANE Select); coding-DNA position 522, C replaced by T.
Protein change: p.Ser174=; no amino-acid change (serine 174 retained).
Molecular consequence: synonymous variant.
Genome position (GRCh38, 1-based): chrX:101,362,239, G>A on the plus strand (C>T on the coding strand, the complement: BTK is on the minus strand). VCF-style: chrX-101362239-G-A. GRCh37 (hg19) VCF-style: chrX-100617227-G-A.
Other names: c.624C>T, p.Ser208= (NM_001287344.2); c.522C>T, p.Ser174= (NM_001287345.2).
Identifiers: ClinVar variation 2883961 (VCV002883961.5), dbSNP rs375885718, ClinGen allele CA10473156.

ClinVar aggregate classification (germline): Conflicting classifications of pathogenicity. Review status: criteria provided, conflicting classifications (1 of 4 stars). 3 submissions from 3 submitters: Uncertain significance (1); Likely benign (2). Last evaluated 2025-10-29.

Conditions:
X-linked agammaglobulinemia with growth hormone deficiency (IGHD3). Also called: AGAMMAGLOBULINEMIA AND ISOLATED GROWTH HORMONE DEFICIENCY, X-LINKED; FLEISHER SYNDROME; Isolated growth hormone deficiency type 3; Growth hormone deficiency with hypogammaglobulinemia; HYPOGAMMAGLOBULINEMIA AND ISOLATED GROWTH HORMONE DEFICIENCY, X-LINKED; IGHD III. Identifiers: Orphanet 231692, Orphanet 631, MedGen C0472813, MONDO:0010615, OMIM 307200.

Allele frequency attached by ClinVar (database versions not stated): gnomAD exomes below 0.00001; ExAC 0.00003; TOPMed 0.00004; gnomAD 0.00006; ESP Exome Variant Server 0.00009.
gnomAD v4.1: 11 of 1,210,093 alleles (0.00091%); highest among the groups gnomAD compares: Middle Eastern, 0.046%; no homozygotes.

Submissions (3):

Women's Health and Genetics/Laboratory Corporation of America, LabCorp
Classification: Uncertain significance. Last evaluated: 2025-10-29. Review status: criteria provided, single submitter. Criteria: LabCorp Variant Classification Summary - May 2015. Collection method: clinical testing. Allele origin: germline.
Comment: Variant summary: BTK c.522C>T (p.Ser174Ser) alters a conserved nucleotide located close to a canonical splice site and therefore could affect mRNA splicing, leading to a significantly altered protein sequence. Consensus agreement among computation tools predict no significant impact on normal splicing. However, these predictions have yet to be confirmed by functional studies. The variant allele was found at a frequency of 2.2e-05 in 183445 control chromosomes. The available data on variant occurrences in the general population are insufficient to allow any conclusion about variant significance. To our knowledge, no occurrence of c.522C>T in individuals affected with BTK-related conditions and no experimental evidence demonstrating its impact on protein function have been reported. ClinVar contains an entry for this variant (Variation ID: 2883961). Based on the evidence outlined above, the variant was classified as uncertain significance.

Labcorp Genetics (formerly Invitae), Labcorp
Classification: Likely benign for X-linked agammaglobulinemia with growth hormone deficiency. Last evaluated: 2023-12-20. Review status: criteria provided, single submitter. Criteria: Invitae Variant Classification Sherloc (09022015). Collection method: clinical testing. Allele origin: germline.

Blueprint Genetics
Classification: Likely benign. Last evaluated: 2022-07-18. Review status: criteria provided, single submitter. Criteria: ACMG Guidelines, 2015. Collection method: clinical testing. Allele origin: germline.